The following is an entry in ClinVar:

ClinVar aggregate classification (germline): Benign/Likely benign. Review status: criteria provided, multiple submitters, no conflicts (2 of 4 stars). 12 submissions from 12 submitters: Benign (1); Likely benign (10). 1 of the submissions does not count toward it. Last evaluated 2026-01-31.

Conditions:
Familial adenomatous polyposis 1 (FAP1). Also called: FAMILIAL ADENOMATOUS POLYPOSIS 1, ATTENUATED; POLYPOSIS, ADENOMATOUS INTESTINAL. Identifiers: MedGen C2713442, MONDO:0021056, OMIM 175100. Disease mechanism: loss of function.
Classic or attenuated familial adenomatous polyposis. Identifiers: MedGen CN372698, MONDO:0021057.
APC-related disorder. Also called: APC-related condition.
Hereditary cancer-predisposing syndrome. Also called: Tumor predisposition; Neoplastic Syndromes, Hereditary; Hereditary neoplastic syndrome; Hereditary Cancer Syndrome. Identifiers: Orphanet 140162, MedGen C0027672, MeSH D009386, MONDO:0015356.

Allele frequency attached by ClinVar (database versions not stated): ExAC 0.00001; gnomAD 0.00002 and 0.00003; gnomAD exomes 0.00003; TOPMed 0.00003.
gnomAD v4.1: 41 of 1,613,988 alleles (0.0025%); highest among the groups gnomAD compares: Admixed American, 0.0033%; no homozygotes.

Submissions (12):

Labcorp Genetics (formerly Invitae), Labcorp
Classification: Likely benign for Familial adenomatous polyposis 1. Last evaluated: 2026-01-31. Review status: criteria provided, single submitter. Criteria: Invitae Variant Classification Sherloc (09022015). Collection method: clinical testing. Allele origin: germline.

Quest Diagnostics Nichols Institute San Juan Capistrano
Classification: Likely benign. Last evaluated: 2025-01-13. Review status: criteria provided, single submitter. Criteria: Quest Diagnostics criteria. Collection method: clinical testing. Allele origin: unknown.

Blueprint Genetics
Classification: Likely benign. Last evaluated: 2024-07-25. Review status: criteria provided, single submitter. Criteria: ACMG Guidelines, 2015. Collection method: clinical testing. Allele origin: germline.

Myriad Genetics, Inc.
Classification: Benign for Familial adenomatous polyposis 1. Last evaluated: 2024-02-29. Review status: criteria provided, single submitter. Criteria: Myriad Autosomal Dominant, Autosomal Recessive and X-Linked Classification Criteria (2023). Collection method: clinical testing. Allele origin: unknown.
Comment: This variant is considered benign. This variant is a silent/synonymous amino acid change and it is not expected to impact splicing.

Women's Health and Genetics/Laboratory Corporation of America, LabCorp
Classification: Likely benign. Last evaluated: 2024-02-21. Review status: criteria provided, single submitter. Criteria: LabCorp Variant Classification Summary - May 2015. Collection method: clinical testing. Allele origin: germline.

All of Us Research Program, National Institutes of Health
Classification: Likely benign for Classic or attenuated familial adenomatous polyposis. Last evaluated: 2023-12-01. Review status: criteria provided, single submitter. Criteria: ACMG Guidelines, 2015. Collection method: clinical testing. Allele origin: germline. Inheritance: Autosomal dominant inheritance. Observed: 15 variant alleles, 15 heterozygotes.
Comment: This study involves interpretation of variants in research participants for the purpose of population health screening. Participant phenotype was not available at the time of variant classification. Additional details can be found in publication PMID: 35346344, PMCID: PMC8962531

Sema4
Classification: Likely benign for Hereditary cancer-predisposing syndrome. Last evaluated: 2021-03-08. Review status: criteria provided, single submitter. Criteria: Sema4 Curation Guidelines. Collection method: curation. Allele origin: germline.

GeneDx
Classification: Likely benign. Last evaluated: 2019-07-05. Review status: criteria provided, single submitter. Criteria: GeneDx Variant Classification Process June 2021. Collection method: clinical testing. Allele origin: germline. Affected: yes.

Color Diagnostics, LLC DBA Color Health
Classification: Likely benign for Hereditary cancer-predisposing syndrome. Last evaluated: 2016-06-08. Review status: criteria provided, single submitter. Criteria: ACMG Guidelines, 2015. Collection method: clinical testing. Allele origin: germline.

Ambry Genetics
Classification: Likely benign for Hereditary cancer-predisposing syndrome. Last evaluated: 2015-03-07. Review status: criteria provided, single submitter. Criteria: Ambry Variant Classification Scheme 2023. Collection method: clinical testing. Allele origin: germline.

Breakthrough Genomics
Classification: Likely benign. Review status: criteria provided, single submitter. Criteria: ACMG Guidelines, 2015. Collection method: not provided. Allele origin: germline. Inheritance: Autosomal dominant inheritance. Affected: yes.

PreventionGenetics, part of Exact Sciences
Classification: Likely benign for APC-related condition. Last evaluated: 2023-03-06. Review status: no assertion criteria provided. Collection method: clinical testing. Allele origin: germline. Not counted in ClinVar's aggregate classification.
Comment: This variant is classified as likely benign based on ACMG/AMP sequence variant interpretation guidelines (Richards et al. 2015 PMID: 25741868, with internal and published modifications).

NM_000038.6(APC):c.1023A>G (p.Gln341=)

Gene: APC (APC regulator of Wnt signaling pathway; plus strand). Cytogenetic location: 5q22.2.
Variant type: single nucleotide variant.
Coding change: c.1023A>G on transcript NM_000038.6 (MANE Select); coding-DNA position 1023, A replaced by G.
Protein change: p.Gln341=; no amino-acid change (glutamine 341 retained).
Molecular consequence: synonymous variant. On other transcripts: intron variant (4).
Genome position (GRCh38, 1-based): chr5:112,819,055, A>G. VCF-style: chr5-112819055-A-G. GRCh37 (hg19) VCF-style: chr5-112154752-A-G.
Other names: c.1023A>G, p.Gln341= (NM_001127510.3, NM_001354895.2, NM_001354896.2); c.969A>G, p.Gln323= (NM_001127511.3); c.1053A>G, p.Gln351= (NM_001354897.2); c.948A>G, p.Gln316= (NM_001354898.2); c.939A>G, p.Gln313= (NM_001354899.2); c.846A>G, p.Gln282= (NM_001354900.2, NM_001354901.2); c.174A>G, p.Gln58= (NM_001354906.2); c.964-214A>G (NM_001354902.2); and 3 more.
Identifiers: ClinVar variation 380660 (VCV000380660.28), dbSNP rs774764623, ClinGen allele CA026648.